The following is an entry in ClinVar:

NM_001382273.1(TNK2):c.-18-6765G>C

Gene: TNK2 (tyrosine kinase non receptor 2; minus strand). Cytogenetic location: 3q29.
Variant type: single nucleotide variant.
Coding change: c.-18-6765G>C on transcript NM_001382273.1 (MANE Select); 6765 bases into the intron before 18 bases upstream of the start codon, G replaced by C.
Molecular consequence: intron variant.
Genome position (GRCh38, 1-based): chr3:195,895,371, C>G on the plus strand (G>C on the coding strand, the complement: TNK2 is on the minus strand). VCF-style: chr3-195895371-C-G. GRCh37 (hg19) VCF-style: chr3-195622242-C-G.
Other names: c.-18-6765G>C (NM_001387720.1, NM_005781.5, NM_001386164.1 and 1 more transcripts); c.-19+1796G>C (NM_001387714.1); c.-19+1372G>C (NM_001387711.1); c.-19+682G>C (NM_001387721.1, NM_001387710.1); c.-19+524G>C (NM_001387719.1, NM_001387713.1, NM_001387712.1 and 2 more transcripts).
Identifiers: ClinVar variation 2766075 (VCV002766075.3), dbSNP rs752011991, ClinGen allele CA355586973.

ClinVar aggregate classification (germline): Uncertain significance (1 of 4 stars; one submission).

Submission:

Labcorp Genetics (formerly Invitae), Labcorp
Classification: Uncertain significance. Last evaluated: 2023-10-06. Review status: criteria provided, single submitter. Criteria: Invitae Variant Classification Sherloc (09022015). Collection method: clinical testing. Allele origin: germline.
Comment: This sequence change replaces glycine, which is neutral and non-polar, with arginine, which is basic and polar, at codon 16 of the TNK2 protein (p.Gly16Arg). This variant is not present in population databases (gnomAD no frequency). This variant has not been reported in the literature in individuals affected with TNK2-related conditions. Algorithms developed to predict the effect of missense changes on protein structure and function output the following: SIFT: "Not Available"; PolyPhen-2: "Probably Damaging"; Align-GVGD: "Not Available". The arginine amino acid residue is found in multiple mammalian species, which suggests that this missense change does not adversely affect protein function. In summary, the available evidence is currently insufficient to determine the role of this variant in disease. Therefore, it has been classified as a Variant of Uncertain Significance.